The following is an entry in ClinVar:

ClinVar aggregate classification (germline): Uncertain significance. Review status: criteria provided, multiple submitters, no conflicts (2 of 4 stars). 8 submissions from 8 submitters: Uncertain significance (7). 1 of the submissions does not count toward it. Last evaluated 2025-11-09.

Conditions:
Gastric cancer. Also called: Malignant tumor of stomach; Stomach cancer. Identifiers: MedGen C0024623, MeSH D013274, MONDO:0001056, OMIM 613659, HP:0012126.
Hereditary cancer-predisposing syndrome. Also called: Neoplastic Syndromes, Hereditary; Hereditary neoplastic syndrome; Tumor predisposition; Hereditary Cancer Syndrome. Identifiers: Orphanet 140162, MedGen C0027672, MeSH D009386, MONDO:0015356.
Familial adenomatous polyposis 2. Also called: COLORECTAL ADENOMATOUS POLYPOSIS, AUTOSOMAL RECESSIVE; MYH-associated polyposis; FAP type 2; MUTYH-related attenuated familial adenomatous polyposis; MUTYH-associated polyposis; MUTYH Polyposis. Identifiers: Orphanet 220460, Orphanet 247798, MedGen C3272841, MONDO:0012041, OMIM 608456.

Allele frequency attached by ClinVar (database versions not stated): gnomAD exomes 0.00001 and below 0.00001; gnomAD 0.00001.
gnomAD v4.1: 8 of 1,613,602 alleles (0.0005%); highest among the groups gnomAD compares: East Asian, 0.0045%; no homozygotes.

Submissions (8):

Labcorp Genetics (formerly Invitae), Labcorp
Classification: Uncertain significance for Familial adenomatous polyposis 2. Last evaluated: 2025-11-09. Review status: criteria provided, single submitter. Criteria: Invitae Variant Classification Sherloc (09022015). Collection method: clinical testing. Allele origin: germline.
Comment: This sequence change affects the initiator codon of the MUTYH mRNA. This change may impact translation initiation or efficiency. The next in-frame methionine is located at codon 15. This variant is present in population databases (no rsID available, gnomAD 0.01%). This variant has not been reported in the literature in individuals affected with MUTYH-related conditions. ClinVar contains an entry for this variant (Variation ID: 230848). Experimental studies and prediction algorithms are not available or were not evaluated, and the functional significance of this variant is currently unknown. In summary, the available evidence is currently insufficient to determine the role of this variant in disease. Therefore, it has been classified as a Variant of Uncertain Significance.

Color Diagnostics, LLC DBA Color Health
Classification: Uncertain significance for Hereditary cancer-predisposing syndrome. Last evaluated: 2025-09-10. Review status: criteria provided, single submitter. Criteria: ACMG Guidelines, 2015. Collection method: clinical testing. Allele origin: germline.
Comment: This variant causes the loss of the translation initiation codon in the MUTYH protein. However, codon 15 encodes methionine, which may serve as an alternative translation initiation site. In addition, two other transcripts use different downstream initiation codons. To our knowledge, functional studies have not been performed for this variant. This variant has not been reported in individuals affected with hereditary cancer in the literature. This variant has been identified in 3/280214 chromosomes in the general population by the Genome Aggregation Database (gnomAD). The available evidence is insufficient to determine the role of this variant in disease conclusively. Therefore, this variant is classified as a Variant of Uncertain Significance.

Quest Diagnostics Nichols Institute San Juan Capistrano
Classification: Uncertain significance. Last evaluated: 2025-05-05. Review status: criteria provided, single submitter. Criteria: Quest Diagnostics criteria. Collection method: clinical testing. Allele origin: unknown.
Comment: The MUTYH c.2T>C variant disrupts the translation initiation codon of the MUTYH mRNA and is predicted to interfere with MUTYH protein synthesis. The next available in-frame methionine located at codon 15 may serve as an alternative initiation codon. This variant has been reported in the published literature in individuals with breast and/or ovarian cancer (PMID: 26898890 (2016), 32091409 (2020), 33471991 (2021), see also LOVD), prostate cancer (PMID: 34579513 (2022)), unspecified cancer (PMID: 34326862 (2021)) as well as in reportedly unaffected individuals (PMID: 33471991 (2021), see also LOVD, 36243179 (2022), 37306523 (2023), 38308423 (2024)).The frequency of this variant in the general population (Genome Aggregation Database) is uninformative in the assessment of its pathogenicity. Based on the available information, we are unable to determine the clinical significance of this variant.

Ambry Genetics
Classification: Uncertain significance for Hereditary cancer-predisposing syndrome. Last evaluated: 2025-03-05. Review status: criteria provided, single submitter. Criteria: Ambry Variant Classification Scheme 2023. Collection method: clinical testing. Allele origin: germline.
Comment: The p.M1? variant (also known as c.2T>C), located in coding exon 1 of the MUTYH gene, results from a T to C substitution at nucleotide position 2. This alters the methionine residue at the initiation codon (ATG). Variations that modify the initiation codon (ATG) are expected to result in either loss of translation initiation, N-terminal truncation, or cause a shift in the mRNA reading frame; however, there are in-frame methionines 15 and 54 amino acids from the initiation site, which may result in N-terminal truncation of unknown functional significance. Based on the available evidence, the clinical significance of this variant remains unclear.

Center for Genomic Medicine, Rigshospitalet, Copenhagen University Hospital
Classification: Uncertain significance. Last evaluated: 2025-03-04. Review status: criteria provided, single submitter. Criteria: ACMG Guidelines, 2015. Collection method: clinical testing. Allele origin: germline.

All of Us Research Program, National Institutes of Health
Classification: Uncertain significance for Familial adenomatous polyposis 2. Last evaluated: 2024-08-06. Review status: criteria provided, single submitter. Criteria: ACMG Guidelines, 2015. Collection method: clinical testing. Allele origin: germline. Inheritance: Autosomal recessive inheritance. Observed: 2 variant alleles, 2 heterozygotes.
Comment: This variant causes the loss of the translation initiation codon in the MUTYH protein. However, codon 15 codes for a methionine that may serve as an alternative translation initiation codon. In addition, two other alternative first exons encode alternative initiation codons. Splice site prediction tools suggest that this variant may not impact RNA splicing. To our knowledge, functional studies have not been performed for this variant. This variant has not been reported in individuals affected with hereditary cancer in the literature. This variant has been identified in 3/280214 chromosomes in the general population by the Genome Aggregation Database (gnomAD). The available evidence is insufficient to determine the role of this variant in disease conclusively. Therefore, this variant is classified as a Variant of Uncertain Significance.

This study involves interpretation of variants in research participants for the purpose of population health screening. Participant phenotype was not available at the time of variant classification. Additional details can be found in publication PMID: 35346344, PMCID: PMC8962531

GeneDx
Classification: Uncertain significance. Last evaluated: 2020-12-11. Review status: criteria provided, single submitter. Criteria: GeneDx Variant Classification Process June 2021. Collection method: clinical testing. Allele origin: germline. Affected: yes.
Comment: Initiator codon variant in a gene for which a downstream in-frame ATG produces an alternate clinically-relevant isoform that may result in a functional protein (Plotz 2012); Has not been previously published as pathogenic or benign to our knowledge; Observed in 3/280214 (0.0011%) alleles in large population cohorts (Lek 2016); This variant is associated with the following publications: (PMID: 22473953)

Laboratory for Genotyping Development, RIKEN
Classification: Pathogenic for Gastric cancer. Last evaluated: 2021-07-01. Review status: no assertion criteria provided. Collection method: research. Allele origin: germline. Not counted in ClinVar's aggregate classification.

Literature cited by the submitters: PubMed 33471991 (cited by Quest Diagnostics Nichols Institute San Juan Capistrano); PubMed 34326862 (cited by Quest Diagnostics Nichols Institute San Juan Capistrano); PubMed 26898890 (cited by Quest Diagnostics Nichols Institute San Juan Capistrano); PubMed 36243179 (cited by Quest Diagnostics Nichols Institute San Juan Capistrano); PubMed 38308423 (cited by Quest Diagnostics Nichols Institute San Juan Capistrano); PubMed 34579513 (cited by Quest Diagnostics Nichols Institute San Juan Capistrano); PubMed 37306523 (cited by Quest Diagnostics Nichols Institute San Juan Capistrano); PubMed 32091409 (cited by Quest Diagnostics Nichols Institute San Juan Capistrano); PubMed 14618256 (cited by Ambry Genetics and Center for Genomic Medicine, Rigshospitalet, Copenhagen University Hospital); PubMed 22473953 (cited by Ambry Genetics and Center for Genomic Medicine, Rigshospitalet, Copenhagen University Hospital); PubMed 36988593 (cited by Laboratory for Genotyping Development, RIKEN).

NM_001128425.2(MUTYH):c.2T>C (p.Met1Thr)

Genes: TOE1 (target of EGR1, exonuclease; plus strand), MUTYH (mutY DNA glycosylase; minus strand). Cytogenetic location: 1p34.1.
Variant type: single nucleotide variant.
Coding change: c.2T>C on transcript NM_001128425.2 (MANE Plus Clinical); coding-DNA position 2, T replaced by C.
Protein change: p.Met1Thr; changes the start codon (methionine 1).
Molecular consequence: missense variant, initiator codon variant. On other transcripts: 5 prime UTR variant (7), non-coding transcript variant (3).
Genome position (GRCh38, 1-based): chr1:45,340,253, A>G on the plus strand (T>C on the coding strand, the complement: MUTYH is on the minus strand). VCF-style: chr1-45340253-A-G. GRCh37 (hg19) VCF-style: chr1-45805925-A-G.
Other names: c.1A>G, p.Met1Val (NM_025077.4); c.-41T>C (NM_001048171.2); c.2T>C, p.Met1Thr (NM_001293190.2, NM_001407069.1, NM_001407073.1 and 1 more transcripts); c.-253T>C (NM_001293192.2); c.-312T>C (NM_001350650.2); c.-248T>C (NM_001350651.2); c.-57T>C (NM_001407070.1, NM_001407071.1); c.-37T>C (NM_001407072.1); short protein forms M1T, M1V.
Identifiers: ClinVar variation 230848 (VCV000230848.45), dbSNP rs865954220, ClinGen allele CA10577758.
Genomic context (GRCh38, chr1:45,340,253, plus strand): 5'-GGAGACGGACCGCAAGTCCAGCGTACCCACAGACGACTCAGGCGGGAGACGAGCGGTGTC[A>G]TGGCCGCCGACAGTGACGATGGCGCAGTTTCAGCTCCCGCAGCTTCCGACGGTGAGCGGC-3'
Protein context (NP_001121897.1, residues 1-11): [Met1Thr]TPLVSRLSRL